The following is an entry in ClinVar:

ClinVar aggregate classification (germline): Likely benign (1 of 4 stars; one submission).

Allele frequency attached by ClinVar (database versions not stated): 1000 Genomes Project 0.00140; 1000 Genomes Project 30x 0.00156; ESP Exome Variant Server 0.00254; TOPMed 0.00307; ExAC 0.00340; gnomAD 0.00346; gnomAD exomes 0.00487.
gnomAD v4.1: 7,576 of 1,614,130 alleles (0.47%); highest among the groups gnomAD compares: Non-Finnish European, 0.56%; 26 homozygotes.

Submission:

CeGaT Center for Human Genetics Tuebingen
Classification: Likely benign. Last evaluated: 2022-10-01. Review status: criteria provided, single submitter. Criteria: CeGaT Center For Human Genetics Tuebingen Variant Classification Criteria Version 2. Collection method: clinical testing. Allele origin: germline. Affected: yes. Observed: 1 variant allele.
Comment: SLC18B1: BP4, BS2

NM_052831.3(SLC18B1):c.1230A>G (p.Ile410Met)

Gene: SLC18B1 (solute carrier family 18 member B1; minus strand). Cytogenetic location: 6q23.2.
Variant type: single nucleotide variant.
Coding change: c.1230A>G on transcript NM_052831.3 (MANE Select); coding-DNA position 1230, A replaced by G.
Protein change: p.Ile410Met; replaces isoleucine 410 with methionine.
Molecular consequence: missense variant.
Genome position (GRCh38, 1-based): chr6:132,771,060, T>C on the plus strand (A>G on the coding strand, the complement: SLC18B1 is on the minus strand). VCF-style: chr6-132771060-T-C. GRCh37 (hg19) VCF-style: chr6-133092199-T-C.
Other names: short protein forms I410M.
Identifiers: ClinVar variation 2656919 (VCV002656919.24), dbSNP rs147717829, ClinGen allele CA4006955.